The following is an entry in ClinVar:

NM_001083961.2(WDR62):c.1233+15del

Gene: WDR62 (WD repeat domain 62; plus strand). Cytogenetic location: 19q13.12.
Variant type: Deletion.
Coding change: c.1233+15del on transcript NM_001083961.2 (MANE Select); 15 bases into the intron after coding-DNA position 1233, one base deleted (C; older notation c.1233+15delC).
Molecular consequence: intron variant.
Genome position (GRCh38, 1-based): chr19:36,073,546, C deleted; the last of 10 consecutive C bases (chr19:36,073,537-36,073,546); deleting any one gives the same sequence. VCF-style (leftmost placement, unchanged base first): chr19-36073536-GC-G. GRCh37 (hg19) VCF-style: chr19-36564438-GC-G.
Other names: p.?; c.1233+15del (NM_173636.5).
Identifiers: ClinVar variation 212597 (VCV000212597.20), dbSNP rs373693641, ClinGen allele CA205406.
Genomic context (GRCh38, chr19:36,073,536, plus strand): 5'-GAGTGGGCAAGGTGTGGTCAGAGCTCTTCCACAGCTCCTACGTTTGGAACGTGGAGGTGA[GC>G]CCCCCCCCCACCCCCTTGCCCCTGCTTGGCCTCTGCACAGTTCCCCACAGTTTGGGAACC-3'

ClinVar aggregate classification (germline): Benign/Likely benign. Review status: criteria provided, multiple submitters, no conflicts (2 of 4 stars). 5 submissions from 5 submitters: Benign (2); Likely benign (3). Last evaluated 2026-01-12.

Submissions (5):

Labcorp Genetics (formerly Invitae), Labcorp
Classification: Benign. Last evaluated: 2026-01-12. Review status: criteria provided, single submitter. Criteria: Invitae Variant Classification Sherloc (09022015). Collection method: clinical testing. Allele origin: germline.

Laboratory of Genetics, Children's Clinical University Hospital Latvia
Classification: Likely benign. Last evaluated: 2025-02-16. Review status: criteria provided, single submitter. Criteria: ACMG Guidelines, 2015. Collection method: clinical testing. Allele origin: germline. Affected: yes.

Blueprint Genetics
Classification: Likely benign. Last evaluated: 2024-11-27. Review status: criteria provided, single submitter. Criteria: ACMG Guidelines, 2015. Collection method: clinical testing. Allele origin: germline.

Mayo Clinic Laboratories, Mayo Clinic
Classification: Benign. Last evaluated: 2024-02-16. Review status: criteria provided, single submitter. Criteria: ACMG Guidelines, 2015. Collection method: clinical testing. Allele origin: germline. Observed: 9 variant alleles.
Comment: BS1, BS2, BP4

Genetic Services Laboratory, University of Chicago
Classification: Likely benign. Last evaluated: 2013-06-05. Review status: criteria provided, single submitter. Criteria: ACMG Guidelines, 2007. Collection method: clinical testing. Allele origin: germline.